The following is an entry in ClinVar:

ClinVar aggregate classification (germline): Uncertain significance (1 of 4 stars; one submission).

Conditions:
Atrial fibrillation, familial, 7 (ATFB7). Identifiers: MedGen C2677106, MONDO:0012828, OMIM 612240.

Allele frequency attached by ClinVar (database versions not stated): gnomAD exomes below 0.00001; ExAC 0.00001; gnomAD 0.00001; TOPMed 0.00001.
gnomAD v4.1: 4 of 1,614,042 alleles (0.00025%); highest among the groups gnomAD compares: African/African-American, 0.0013%; no homozygotes.

Submission:

Labcorp Genetics (formerly Invitae), Labcorp
Classification: Uncertain significance for Atrial fibrillation, familial, 7. Last evaluated: 2023-08-22. Review status: criteria provided, single submitter. Criteria: Invitae Variant Classification Sherloc (09022015). Collection method: clinical testing. Allele origin: germline.
Comment: ClinVar contains an entry for this variant (Variation ID: 2144981). In summary, the available evidence is currently insufficient to determine the role of this variant in disease. Therefore, it has been classified as a Variant of Uncertain Significance. Algorithms developed to predict the effect of missense changes on protein structure and function output the following: SIFT: "Not Available"; PolyPhen-2: "Benign"; Align-GVGD: "Not Available". The glutamic acid amino acid residue is found in multiple mammalian species, which suggests that this missense change does not adversely affect protein function. This variant has not been reported in the literature in individuals affected with KCNA5-related conditions. This variant is present in population databases (rs779034667, gnomAD 0.007%). This sequence change replaces aspartic acid, which is acidic and polar, with glutamic acid, which is acidic and polar, at codon 207 of the KCNA5 protein (p.Asp207Glu).

NM_002234.4(KCNA5):c.621C>G (p.Asp207Glu)

Gene: KCNA5 (potassium voltage-gated channel subfamily A member 5; plus strand). Cytogenetic location: 12p13.32.
Variant type: single nucleotide variant.
Coding change: c.621C>G on transcript NM_002234.4 (MANE Select); coding-DNA position 621, C replaced by G.
Protein change: p.Asp207Glu; replaces aspartic acid 207 with glutamic acid.
Molecular consequence: missense variant.
Genome position (GRCh38, 1-based): chr12:5,044,768, C>G. VCF-style: chr12-5044768-C-G. GRCh37 (hg19) VCF-style: chr12-5153934-C-G.
Other names: short protein forms D207E.
Identifiers: ClinVar variation 2144981 (VCV002144981.4), dbSNP rs779034667, ClinGen allele CA6399675.